The following is an entry in ClinVar:

ClinVar aggregate classification (germline): Pathogenic/Likely pathogenic. Review status: criteria provided, multiple submitters, no conflicts (2 of 4 stars). 2 submissions from 2 submitters: Pathogenic (1); Likely pathogenic (1). Last evaluated 2026-08-06.

Conditions:
MELANESIAN BLOND HAIR (SHEP11). Also called: Skin/hair/eye pigmentation, variation in, 11; SKIN/HAIR/EYE PIGMENTATION 11, BLUE/NONBLUE EYES. Identifiers: MedGen C2677086, OMIM 612271.

Allele frequency attached by ClinVar (database versions not stated): ExAC 0.00001; gnomAD 0.00001; gnomAD exomes 0.00001; TOPMed 0.00001.
gnomAD v4.1: 12 of 1,612,602 alleles (0.00074%); highest among the groups gnomAD compares: Non-Finnish European, 0.00093%; no homozygotes.

Submissions (2):

OLLIN Analises Genomicas, OLLIN
Classification: Pathogenic for MELANESIAN BLOND HAIR. Last evaluated: 2026-08-06. Review status: criteria provided, single submitter. Criteria: ACMG Guidelines 2015 PMID 25741868. Collection method: clinical testing. Allele origin: germline.
Comment: This variant, located at the canonical splicing site (splice donor), has been reported in ClinVar (accession VCV001980229.4) and in gnomAD with an allele frequency of 0.00074%. However, to our knowledge, it has not been reported in the scientific literature. This variant is predicted to disrupt a canonical splice site, potentially leading to exon skipping, mRNA degradation via nonsense-mediated decay (NMD), or production of a truncated protein. Another pathogenic variant has been reported to result in the same amino acid substitution. According to the currently available evidence, this variant has been classified as pathogenic (PVS1, PS1_P, PM2_P).

Labcorp Genetics (formerly Invitae), Labcorp
Classification: Likely pathogenic. Last evaluated: 2024-02-18. Review status: criteria provided, single submitter. Criteria: Invitae Variant Classification Sherloc (09022015). Collection method: clinical testing. Allele origin: germline.
Comment: This sequence change affects a donor splice site in intron 4 of the TYRP1 gene. It is expected to disrupt RNA splicing. Variants that disrupt the donor or acceptor splice site typically lead to a loss of protein function (PMID: 16199547), and loss-of-function variants in TYRP1 are known to be pathogenic (PMID: 8651291, 9345097). This variant is present in population databases (rs748926400, gnomAD 0.004%). Disruption of this splice site has been observed in individual(s) with ocular albinism (PMID: 34897530). ClinVar contains an entry for this variant (Variation ID: 1980229). Algorithms developed to predict the effect of sequence changes on RNA splicing suggest that this variant may disrupt the consensus splice site. In summary, the currently available evidence indicates that the variant is pathogenic, but additional data are needed to prove that conclusively. Therefore, this variant has been classified as Likely Pathogenic.

Literature cited by the submitters: PubMed 16199547 (cited by Labcorp Genetics (formerly Invitae), Labcorp); PubMed 8651291 (cited by Labcorp Genetics (formerly Invitae), Labcorp); PubMed 9345097 (cited by Labcorp Genetics (formerly Invitae), Labcorp); PubMed 34897530 (cited by Labcorp Genetics (formerly Invitae), Labcorp).

NM_000550.3(TYRP1):c.913+1G>A

Gene: TYRP1 (tyrosinase related protein 1; plus strand). Cytogenetic location: 9p23.
Variant type: single nucleotide variant.
Coding change: c.913+1G>A on transcript NM_000550.3 (MANE Select); the canonical splice donor site of the intron after coding-DNA position 913, G replaced by A.
Molecular consequence: splice donor variant.
Genome position (GRCh38, 1-based): chr9:12,698,656, G>A. VCF-style: chr9-12698656-G-A. GRCh37 (hg19) VCF-style: chr9-12698656-G-A.
Identifiers: ClinVar variation 1980229 (VCV001980229.5), dbSNP rs748926400, ClinGen allele CA4985357.